The following is an entry in ClinVar:

NM_001164508.2(NEB):c.7537A>T (p.Lys2513Ter)

Gene: NEB (nebulin; minus strand). Cytogenetic location: 2q23.3.
Variant type: single nucleotide variant.
Coding change: c.7537A>T on transcript NM_001164508.2 (MANE Select); coding-DNA position 7537, A replaced by T.
Protein change: p.Lys2513Ter; replaces lysine 2513 with a stop codon.
Molecular consequence: nonsense.
Genome position (GRCh38, 1-based): chr2:151,644,575, T>A on the plus strand (A>T on the coding strand, the complement: NEB is on the minus strand). VCF-style: chr2-151644575-T-A. GRCh37 (hg19) VCF-style: chr2-152501089-T-A.
Other names: c.7537A>T, p.Lys2513Ter (NM_001164507.2, NM_001271208.2, NM_004543.5); short protein forms K2513*.
Identifiers: ClinVar variation 1725557 (VCV001725557.2), dbSNP rs2552247718, ClinGen allele CA348783549.

ClinVar aggregate classification (germline): Likely pathogenic (1 of 4 stars; one submission).

Conditions:
Nemaline myopathy 2 (NEM2). Also called: Nemaline myopathy 2, autosomal recessive. Identifiers: MedGen C1850569, MONDO:0009725, OMIM 256030.

Submission:

Myriad Genetics, Inc.
Classification: Likely pathogenic for Nemaline myopathy 2. Last evaluated: 2021-12-03. Review status: criteria provided, single submitter. Criteria: Myriad Women's Health Autosomal Recessive and X-Linked Classification Criteria (2021). Collection method: clinical testing. Allele origin: unknown.
Comment: NM_001271208.1(NEB):c.7537A>T(K2513*) is expected to be pathogenic in the context of NEB-related nemaline myopathy. This variant is predicted to lead to an abnormal or absent protein product due to the creation of a premature termination codon in NEB, a gene where loss-of-function variants are known to be pathogenic. Please note: this variant was assessed in the context of healthy population screening.